The following is an entry in ClinVar:

ClinVar aggregate classification (germline): Conflicting classifications of pathogenicity. Review status: criteria provided, conflicting classifications (1 of 4 stars). 3 submissions from 3 submitters: Uncertain significance (1); Likely benign (1). 1 of the submissions does not count toward it. Last evaluated 2026-02-01.

Conditions:
TSR1-related disorder. Also called: TSR1-related condition.

Allele frequency attached by ClinVar (database versions not stated): gnomAD 0.00165; TOPMed 0.00177; ESP Exome Variant Server 0.00138; ExAC 0.00157; 1000 Genomes Project 0.00180; 1000 Genomes Project 30x 0.00219.
gnomAD v4.1: 2,815 of 1,585,006 alleles (0.18%); highest among the groups gnomAD compares: Admixed American, 0.31%; 8 homozygotes.

Submissions (3):

CeGaT Center for Human Genetics Tuebingen
Classification: Likely benign. Last evaluated: 2026-02-01. Review status: criteria provided, single submitter. Criteria: CeGaT Center For Human Genetics Tuebingen Variant Classification Criteria Version 2. Collection method: clinical testing. Allele origin: germline. Affected: yes. Observed: 1 variant allele.
Comment: TSR1: BP4

Blueprint Genetics
Classification: Uncertain significance. Last evaluated: 2024-11-19. Review status: criteria provided, single submitter. Criteria: ACMG Guidelines, 2015. Collection method: clinical testing. Allele origin: germline.

PreventionGenetics, part of Exact Sciences
Classification: Likely benign for TSR1-related condition. Last evaluated: 2022-02-14. Review status: no assertion criteria provided. Collection method: clinical testing. Allele origin: germline. Not counted in ClinVar's aggregate classification.
Comment: This variant is classified as likely benign based on ACMG/AMP sequence variant interpretation guidelines (Richards et al. 2015 PMID: 25741868, with internal and published modifications).

NM_018128.5(TSR1):c.1654G>A (p.Ala552Thr)

Gene: TSR1 (TSR1 ribosome maturation factor; minus strand). Cytogenetic location: 17p13.3.
Variant type: single nucleotide variant.
Coding change: c.1654G>A on transcript NM_018128.5 (MANE Select); coding-DNA position 1654, G replaced by A.
Protein change: p.Ala552Thr; replaces alanine 552 with threonine.
Molecular consequence: missense variant.
Genome position (GRCh38, 1-based): chr17:2,330,952, C>T on the plus strand (G>A on the coding strand, the complement: TSR1 is on the minus strand). VCF-style: chr17-2330952-C-T. GRCh37 (hg19) VCF-style: chr17-2234246-C-T.
Other names: short protein forms A552T.
Identifiers: ClinVar variation 3049475 (VCV003049475.7), dbSNP rs148862735, ClinGen allele CA8279926.